The following is an entry in ClinVar:

NM_000238.4(KCNH2):c.2785dup (p.Glu929fs)

Gene: KCNH2 (potassium voltage-gated channel subfamily H member 2; minus strand). Cytogenetic location: 7q36.1.
Variant type: Duplication.
Coding change: c.2785dup on transcript NM_000238.4 (MANE Select); coding-DNA position 2785, one base duplicated (G; older notation c.2785dupG).
Protein change: p.Glu929fs; shifts the reading frame from glutamic acid 929.
Molecular consequence: frameshift variant.
Genome position (GRCh38, 1-based): chr7:150,947,786, C duplicated on the plus strand (G on the coding strand, the reverse complement: KCNH2 is on the minus strand); the first of 6 consecutive C bases (chr7:150,947,786-150,947,791); duplicating any one gives the same sequence. VCF-style (leftmost placement, unchanged base first): chr7-150947785-T-TC. GRCh37 (hg19) VCF-style: chr7-150644873-T-TC.
Other names: c.1765dup, p.Glu589fs (NM_172057.3); c.2785dup (NM_000238.2); c.2785dupG (NM_000238.3); short protein forms E929fs, E589fs.
Identifiers: ClinVar variation 200678 (VCV000200678.22), dbSNP rs794728458, ClinGen allele CA305329.
Genomic context (GRCh38, chr7:150,947,785, plus strand): 5'-CTGCGGCCTGGGCCCTCATCCTCACTGCTCTCAGGGCTGGAGGGGCCACTGGACGGGCTC[T>TC]CCCCCCACGGCCCCCCCGGCCGGCCCCGGCTACTCGGCCCTGCCCCCGCCCGGCCCGGCC-3'

ClinVar aggregate classification (germline): Pathogenic/Likely pathogenic. Review status: criteria provided, multiple submitters, no conflicts (2 of 4 stars). 6 submissions from 6 submitters: Pathogenic (5); Likely pathogenic (1). Last evaluated 2024-01-08.

Conditions:
KCNH2-related disorder. Also called: KCNH2-related condition; KCNH2-related disorders.
Cardiovascular phenotype. Identifiers: MedGen CN230736.
Cardiac arrhythmia. Also called: Arrhythmia; Cardiac rhythm disease. Identifiers: MedGen C0003811, MONDO:0007263, HP:0011675.
Long QT syndrome (LQTS). Identifiers: MedGen C0023976, MeSH D008133, MONDO:0002442. Disease mechanism: loss of function. Inheritance: Various modes of inheritance.

Submissions (6):

Molecular Diagnostic Laboratory for Inherited Cardiovascular Disease, Montreal Heart Institute
Classification: Pathogenic for Cardiovascular phenotype. Last evaluated: 2024-01-08. Review status: criteria provided, single submitter. Criteria: ACMG Guidelines, 2015. Collection method: clinical testing. Allele origin: germline. Affected: yes.
Comment: PVS1;PM2;PS4_supp;PP5

Ambry Genetics
Classification: Pathogenic for Cardiovascular phenotype. Last evaluated: 2022-06-06. Review status: criteria provided, single submitter. Criteria: Ambry Variant Classification Scheme 2023. Collection method: clinical testing. Allele origin: germline.
Comment: The c.2785dupG pathogenic mutation, located in coding exon 12 of the KCNH2 gene, results from a duplication of G at nucleotide position 2785, causing a translational frameshift with a predicted alternate stop codon (p.E929Gfs*11). This variant (also referred to as insG 2785&ndash;2786, G928fs/10*) has been detected in a cohort referred for long QT syndrome genetic testing (Tester DJ et al. Heart Rhythm, 2005 May;2:507-17). In addition to the clinical data presented in the literature, this alteration is expected to result in loss of function by premature protein truncation or nonsense-mediated mRNA decay. As such, this alteration is interpreted as a disease-causing mutation.

GeneDx
Classification: Likely pathogenic. Last evaluated: 2022-03-31. Review status: criteria provided, single submitter. Criteria: GeneDx Variant Classification Process June 2021. Collection method: clinical testing. Allele origin: germline. Affected: yes.
Comment: Reported in association with LQTS in the published literature (Tester et al., 2005; Perkins et al., 2018); Not observed at significant frequency in large population cohorts (gnomAD); Frameshift variant predicted to result in protein truncation or nonsense mediated decay in a gene for which loss-of-function is a known mechanism of disease; This variant is associated with the following publications: (PMID: 15840476, 29555771)

Labcorp Genetics (formerly Invitae), Labcorp
Classification: Pathogenic for Long QT syndrome. Last evaluated: 2021-02-18. Review status: criteria provided, single submitter. Criteria: Invitae Variant Classification Sherloc (09022015). Collection method: clinical testing. Allele origin: germline.
Comment: Loss-of-function variants in KCNH2 are known to be pathogenic (PMID: 19862833). For these reasons, this variant has been classified as Pathogenic. This variant has been observed in an individual referred for testing for long QT syndrome (LQTS) (PMID: 15840476, 29555771). This variant is also described as ins G 2785-2786 (G928fs/10*) in the literature. ClinVar contains an entry for this variant (Variation ID: 200678). While this variant is not present in population databases, the frequency information is unreliable, as metrics indicate poor data quality at this position in the ExAC database. This sequence change creates a premature translational stop signal (p.Glu929Glyfs*11) in the KCNH2 gene. It is expected to result in an absent or disrupted protein product.

Blueprint Genetics
Classification: Pathogenic for KCNH2-related disorders. Last evaluated: 2021-01-04. Review status: criteria provided, single submitter. Criteria: ACMG Guidelines, 2015. Collection method: clinical testing. Allele origin: germline. Affected: yes. Observed: 5 variant alleles.

Color Diagnostics, LLC DBA Color Health
Classification: Pathogenic for Cardiac arrhythmia. Last evaluated: 2020-03-05. Review status: criteria provided, single submitter. Criteria: ACMG Guidelines, 2015. Collection method: clinical testing. Allele origin: germline.
Comment: This variant inserts 1 nucleotide in exon 12 of the KCNH2 gene, creating a frameshift and premature translation stop signal. This variant is expected to result in an absent or non-functional protein product. To our knowledge, functional assays have not been performed for this variant. This variant has been observed in an individual referred for testing for long QT syndrome (LQTS) (PMID:15840476). This variant has not been identified in the general population by the Genome Aggregation Database (gnomAD). Loss of KCNH2 function is a known mechanism of disease. Based on the available evidence, this variant is classified as Pathogenic.

Literature cited by the submitters: PubMed 15840476 (cited by Ambry Genetics and Labcorp Genetics (formerly Invitae), Labcorp); PubMed 29555771 (cited by Ambry Genetics and Labcorp Genetics (formerly Invitae), Labcorp); PubMed 19862833 (cited by Labcorp Genetics (formerly Invitae), Labcorp).